The following is an entry in ClinVar:

ClinVar aggregate classification (germline): Uncertain significance (1 of 4 stars; one submission).

Conditions:
Familial cancer of breast. Also called: BREAST CANCER, FAMILIAL; hereditary breast carcinoma; Hereditary breast cancer. Identifiers: Orphanet 227535, MedGen C0346153, MONDO:0016419, OMIM 114480. Disease mechanism: loss of function.

gnomAD v4.1: 14 of 1,613,794 alleles (0.00087%); highest among the groups gnomAD compares: South Asian, 0.014%; no homozygotes.

Submission:

Neuberg Centre For Genomic Medicine, NCGM
Classification: Uncertain significance for Familial cancer of breast. Last evaluated: 2023-05-20. Review status: criteria provided, single submitter. Criteria: ACMG Guidelines, 2015. Collection method: clinical testing. Allele origin: germline. Inheritance: Autosomal dominant inheritance. Affected: yes.
Comment: The observed missense c.319C>G (p.Gln107Glu) variant in HMMR gene has not been reported previously as a pathogenic variant nor as a benign variant, to our knowledge. The p.Gln107Glu variant is present with allele frequency of 0.002% in gnomAD Exomes. This variant has not been submitted to the ClinVar database. Multiple lines of computational evidence (Polyphen - Probably Damaging, SIFT - Damaging and MutationTaster - Disease causing) predict a damaging effect on protein structure and function for this variant. The reference amino acid change p.Gln107Glu in HMMR is predicted as conserved by GERP++ and PhyloP across 100 vertebrates. The amino acid Gln at position 107 is changed to a Glu changing protein sequence and it might alter its composition and physico-chemical properties. For these reasons, this variant has been classified as a Variant of Uncertain Significance (VUS).

NM_001142556.2(HMMR):c.319C>G (p.Gln107Glu)

Gene: HMMR (hyaluronan mediated motility receptor; plus strand). Cytogenetic location: 5q34.
Variant type: single nucleotide variant.
Coding change: c.319C>G on transcript NM_001142556.2 (MANE Select); coding-DNA position 319, C replaced by G.
Protein change: p.Gln107Glu; replaces glutamine 107 with glutamic acid.
Molecular consequence: missense variant.
Genome position (GRCh38, 1-based): chr5:163,469,686, C>G. VCF-style: chr5-163469686-C-G. GRCh37 (hg19) VCF-style: chr5-162896692-C-G.
Other names: c.58C>G, p.Gln20Glu (NM_001142557.2); c.316C>G, p.Gln106Glu (NM_012484.3); c.271C>G, p.Gln91Glu (NM_012485.3); short protein forms Q106E, Q107E, Q20E, Q91E.
Identifiers: ClinVar variation 3367069 (VCV003367069.1).